The following is an entry in ClinVar:

NM_001447.3(FAT2):c.7529G>A (p.Ser2510Asn)

Genes: FAT2 (FAT atypical cadherin 2; minus strand), SLC36A1 (solute carrier family 36 member 1; plus strand). Cytogenetic location: 5q33.1.
Variant type: single nucleotide variant.
Coding change: c.7529G>A on transcript NM_001447.3 (MANE Select); coding-DNA position 7529, G replaced by A.
Protein change: p.Ser2510Asn; replaces serine 2510 with asparagine.
Molecular consequence: missense variant.
Genome position (GRCh38, 1-based): chr5:151,543,598, C>T on the plus strand (G>A on the coding strand, the complement: FAT2 is on the minus strand). VCF-style: chr5-151543598-C-T. GRCh37 (hg19) VCF-style: chr5-150923159-C-T.
Other names: c.7529G>A (NM_001447.2); short protein forms S2510N.
Identifiers: ClinVar variation 2970390 (VCV002970390.4), dbSNP rs147558725, ClinGen allele CA3520941.
Genomic context (GRCh38, chr5:151,543,598, plus strand): 5'-GAGAACTTCTCACTTGCTAGTTTATTGATGATAGTATAATCTATAGTGCCATAGGGACCA[C>T]TATCTTTGTCTATGGCTAGCAAATCAATCACCTTGGTTCCAACCATTGCATTCTCTGCTA-3'
Protein context (NP_001438.1, residues 2500-2520): VIDLLAIDKD[Ser2510Asn]GPYGTIDYTI

ClinVar aggregate classification (germline): Uncertain significance. Review status: criteria provided, multiple submitters, no conflicts (2 of 4 stars). 2 submissions from 2 submitters: Uncertain significance (2). Last evaluated 2023-10-02.

Allele frequency attached by ClinVar (database versions not stated): ExAC 0.00001; gnomAD exomes 0.00001.
gnomAD v4.1: 10 of 1,614,218 alleles (0.00062%); highest among the groups gnomAD compares: Admixed American, 0.017%; no homozygotes.

Submissions (2):

Ambry Genetics
Classification: Uncertain significance. Last evaluated: 2023-10-02. Review status: criteria provided, single submitter. Criteria: Ambry Variant Classification Scheme 2023. Collection method: clinical testing. Allele origin: germline.

Labcorp Genetics (formerly Invitae), Labcorp
Classification: Uncertain significance. Last evaluated: 2023-01-22. Review status: criteria provided, single submitter. Criteria: Invitae Variant Classification Sherloc (09022015). Collection method: clinical testing. Allele origin: germline.
Comment: This variant has not been reported in the literature in individuals affected with FAT2-related conditions. In summary, the available evidence is currently insufficient to determine the role of this variant in disease. Therefore, it has been classified as a Variant of Uncertain Significance. Algorithms developed to predict the effect of missense changes on protein structure and function are either unavailable or do not agree on the potential impact of this missense change (SIFT: "Tolerated"; PolyPhen-2: "Possibly Damaging"; Align-GVGD: "Class C0"). This variant is present in population databases (rs147558725, gnomAD 0.01%). This sequence change replaces serine, which is neutral and polar, with asparagine, which is neutral and polar, at codon 2510 of the FAT2 protein (p.Ser2510Asn).